The following is an entry in ClinVar:

NM_001267550.2(TTN):c.88340C>G (p.Thr29447Arg)

Genes: TTN-AS1 (TTN antisense RNA 1; plus strand), TTN (titin; minus strand). Cytogenetic location: 2q31.2.
Variant type: single nucleotide variant.
Coding change: c.88340C>G on transcript NM_001267550.2 (MANE Select); coding-DNA position 88340, C replaced by G.
Protein change: p.Thr29447Arg; replaces threonine 29447 with arginine.
Molecular consequence: missense variant.
Genome position (GRCh38, 1-based): chr2:178,555,119, G>C on the plus strand (C>G on the coding strand, the complement: TTN is on the minus strand). VCF-style: chr2-178555119-G-C. GRCh37 (hg19) VCF-style: chr2-179419846-G-C.
Other names: p.T27806R:ACA>AGA; c.83417C>G, p.Thr27806Arg (NM_001256850.1); c.80636C>G, p.Thr26879Arg (NM_133378.4); c.61145C>G, p.Thr20382Arg (NM_003319.4); c.61520C>G, p.Thr20507Arg (NM_133432.3); c.61721C>G, p.Thr20574Arg (NM_133437.4); c.88340C>G (NM_001267550.1); short protein forms T26879R, T29447R, T27806R, T20507R, T20574R, T20382R.
Identifiers: ClinVar variation 178176 (VCV000178176.31), dbSNP rs140201636, ClinGen allele CA181662.

ClinVar aggregate classification (germline): Conflicting classifications of pathogenicity. Review status: criteria provided, conflicting classifications (1 of 4 stars). 15 submissions from 11 submitters: Uncertain significance (3); Benign (2); Likely benign (9). 1 of the submissions does not count toward it. Last evaluated 2026-01-28.

Conditions:
TTN-related disorder. Also called: TTN-related condition; TTN-related disease; TTN-related disorders.
Cardiovascular phenotype. Identifiers: MedGen CN230736.
Dilated cardiomyopathy 1G (CMD1G). Identifiers: Orphanet 154, MedGen C1858763, MONDO:0011400, OMIM 604145.
Autosomal recessive limb-girdle muscular dystrophy type 2J (LGMDR10). Also called: Limb-girdle muscular dystrophy, type 2J; MUSCULAR DYSTROPHY, LIMB-GIRDLE, AUTOSOMAL RECESSIVE 10. Identifiers: Orphanet 140922, MedGen C1837342, MONDO:0012127, OMIM 608807.
Early-onset myopathy with fatal cardiomyopathy (CMYO5). Also called: Salih Myopathy; CONGENITAL MYOPATHY 5 WITH CARDIOMYOPATHY. Identifiers: Orphanet 289377, MedGen C2673677, MONDO:0012714, OMIM 611705. Disease mechanism: loss of function.
Myopathy, myofibrillar, 9, with early respiratory failure (MFM9). Also called: MYOPATHY, PROXIMAL, WITH EARLY RESPIRATORY MUSCLE INVOLVEMENT; Hereditary myopathy with early respiratory failure; Myopathy, distal, with early respiratory failure, autosomal dominant; EDSTROM MYOPATHY. Identifiers: Orphanet 34521, MedGen C1863599, MONDO:0011362, OMIM 603689, Orphanet 178464.
Tibial muscular dystrophy (TMD). Also called: Udd Distal Myopathy – Tibial Muscular Dystrophy; UDD MYOPATHY; Tibial muscular dystrophy, tardive. Identifiers: Orphanet 609, MedGen C1838244, MONDO:0010870, OMIM 600334.

Allele frequency attached by ClinVar (database versions not stated): ExAC 0.00023; 1000 Genomes Project 0.00060; 1000 Genomes Project 30x 0.00062; gnomAD 0.00081 and 0.00083; TOPMed 0.00096; ESP Exome Variant Server 0.00110.
gnomAD v4.1: 222 of 1,613,188 alleles (0.014%); highest among the groups gnomAD compares: African/African-American, 0.27%; 1 homozygote.

Submissions (15):

Labcorp Genetics (formerly Invitae), Labcorp
Classification: Likely benign for Dilated cardiomyopathy 1G; Autosomal recessive limb-girdle muscular dystrophy type 2J. Last evaluated: 2026-01-28. Review status: criteria provided, single submitter. Criteria: Invitae Variant Classification Sherloc (09022015). Collection method: clinical testing. Allele origin: germline.

Molecular Diagnostic Laboratory for Inherited Cardiovascular Disease, Montreal Heart Institute
Classification: Likely benign. Last evaluated: 2025-04-09. Review status: criteria provided, single submitter. Criteria: ACMG Guidelines, 2015. Collection method: clinical testing. Allele origin: germline. Affected: no.

Athena Diagnostics
Classification: Likely benign. Last evaluated: 2025-03-26. Review status: criteria provided, single submitter. Criteria: Athena Diagnostics Criteria. Collection method: clinical testing. Allele origin: unknown.
Comment: The frequency of this variant in the general population is higher than would generally be expected for pathogenic variants in this gene. Computational tools predict this amino acid change may be benign.

Women's Health and Genetics/Laboratory Corporation of America, LabCorp
Classification: Likely benign. Last evaluated: 2025-02-10. Review status: criteria provided, single submitter. Criteria: LabCorp Variant Classification Summary - May 2015. Collection method: clinical testing. Allele origin: germline.
Comment: Variant summary: TTN c.80636C>G (p.Thr26879Arg) results in a non-conservative amino acid change in the encoded protein sequence. Two of four in-silico tools predict a benign effect of the variant on protein function. The variant allele was found at a frequency of 0.00014 in 1606220 control chromosomes, predominantly at a frequency of 0.0027 within the African or African-American subpopulation in the gnomAD database, including 1 homozygote. The observed variant frequency within African or African-American control individuals in the gnomAD database is approximately 7- fold of the estimated maximal expected allele frequency for a pathogenic variant in TTN causing Dilated Cardiomyopathy phenotype (0.00039). To our knowledge, no occurrence of c.80636C>G in individuals affected with Dilated Cardiomyopathy and no experimental evidence demonstrating its impact on protein function have been reported. ClinVar contains an entry for this variant (Variation ID: 178176). Based on the evidence outlined above, the variant was classified as likely benign.

Blueprint Genetics
Classification: Likely benign. Last evaluated: 2024-10-29. Review status: criteria provided, single submitter. Criteria: ACMG Guidelines, 2015. Collection method: clinical testing. Allele origin: germline.

Ambry Genetics
Classification: Likely benign for Cardiovascular phenotype. Last evaluated: 2018-04-11. Review status: criteria provided, single submitter. Criteria: Ambry Variant Classification Scheme 2023. Collection method: clinical testing. Allele origin: germline.

Illumina Laboratory Services, Illumina
Classification: Uncertain significance for Dilated cardiomyopathy 1G. Last evaluated: 2018-01-13. Review status: criteria provided, single submitter. Criteria: ICSL Variant Classification Criteria 13 December 2019. Collection method: clinical testing. Allele origin: germline.

Illumina Laboratory Services, Illumina
Classification: Uncertain significance for Early-onset myopathy with fatal cardiomyopathy. Last evaluated: 2018-01-13. Review status: criteria provided, single submitter. Criteria: ICSL Variant Classification Criteria 13 December 2019. Collection method: clinical testing. Allele origin: germline.

Illumina Laboratory Services, Illumina
Classification: Benign for Myopathy, myofibrillar, 9, with early respiratory failure. Last evaluated: 2018-01-13. Review status: criteria provided, single submitter. Criteria: ICSL Variant Classification Criteria 13 December 2019. Collection method: clinical testing. Allele origin: germline.
Comment: This variant was observed in the ICSL laboratory as part of a predisposition screen in an ostensibly healthy population. It had not been previously curated by ICSL or reported in the Human Gene Mutation Database (HGMD: prior to June 1st, 2018), and was therefore a candidate for classification through an automated scoring system. Utilizing variant allele frequency, disease prevalence and penetrance estimates, and inheritance mode, an automated score was calculated to assess if this variant is too frequent to cause the disease. Based on the score and internal cut-off values, a variant classified as benign is not then subjected to further curation. The score for this variant resulted in a classification of benign for this disease.

Illumina Laboratory Services, Illumina
Classification: Benign for Tibial muscular dystrophy. Last evaluated: 2018-01-13. Review status: criteria provided, single submitter. Criteria: ICSL Variant Classification Criteria 13 December 2019. Collection method: clinical testing. Allele origin: germline.
Comment: the same text as in the submission from Illumina Laboratory Services, Illumina above.

Illumina Laboratory Services, Illumina
Classification: Uncertain significance for Autosomal recessive limb-girdle muscular dystrophy type 2J. Last evaluated: 2018-01-13. Review status: criteria provided, single submitter. Criteria: ICSL Variant Classification Criteria 13 December 2019. Collection method: clinical testing. Allele origin: germline.

Eurofins Ntd Llc (ga)
Classification: Likely benign. Last evaluated: 2017-06-08. Review status: criteria provided, single submitter. Criteria: EGL Classification Definitions 2015. Collection method: clinical testing. Allele origin: germline. Observed: 5 variant alleles, 5 heterozygotes.

GeneDx
Classification: Likely benign. Last evaluated: 2017-01-18. Review status: criteria provided, single submitter. Criteria: GeneDx Variant Classification (06012015). Collection method: clinical testing. Allele origin: germline. Affected: yes.
Comment: This variant is considered likely benign or benign based on one or more of the following criteria: it is a conservative change, it occurs at a poorly conserved position in the protein, it is predicted to be benign by multiple in silico algorithms, and/or has population frequency not consistent with disease.

Laboratory for Molecular Medicine, Mass General Brigham Personalized Medicine
Classification: Likely benign. Last evaluated: 2013-10-14. Review status: criteria provided, single submitter. Criteria: LMM Criteria. Collection method: clinical testing. Allele origin: germline. Observed: 1 variant allele.
Comment: Thr26879Arg in exon 280 of TTN: This variant is not expected to have clinical si gnificance because it has been identified in 0.3% (13/3660) of African American chromosomes by the NHLBI Exome Sequencing Project (EVS/; dbSNP rs140201636). Thr26879Arg in exon 280 of TTN (rs140201636; allele f requency = 0.3%, 13/3660) **

PreventionGenetics, part of Exact Sciences
Classification: Likely benign for TTN-related condition. Last evaluated: 2022-05-05. Review status: no assertion criteria provided. Collection method: clinical testing. Allele origin: germline. Not counted in ClinVar's aggregate classification.
Comment: This variant is classified as likely benign based on ACMG/AMP sequence variant interpretation guidelines (Richards et al. 2015 PMID: 25741868, with internal and published modifications).